The following is an entry in ClinVar:

NM_001330078.2(NRXN1):c.772+1118G>A

Gene: NRXN1 (neurexin 1; minus strand). Cytogenetic location: 2p16.3.
Variant type: single nucleotide variant.
Coding change: c.772+1118G>A on transcript NM_001330078.2 (MANE Select); 1118 bases into the intron after coding-DNA position 772, G replaced by A.
Molecular consequence: intron variant. On other transcripts: synonymous variant (1).
Genome position (GRCh38, 1-based): chr2:51,026,384, C>T on the plus strand (G>A on the coding strand, the complement: NRXN1 is on the minus strand). VCF-style: chr2-51026384-C-T. GRCh37 (hg19) VCF-style: chr2-51253522-C-T.
Other names: c.858G>A, p.Lys286= (NM_001135659.3); c.772+1118G>A (NM_001330096.2, NM_001330087.2, NM_001330083.2 and 14 more transcripts).
Identifiers: ClinVar variation 516237 (VCV000516237.40), dbSNP rs201194822, ClinGen allele CA1655382.

ClinVar aggregate classification (germline): Likely benign. Review status: criteria provided, multiple submitters, no conflicts (2 of 4 stars). 4 submissions from 4 submitters: Likely benign (4). Last evaluated 2025-12-01.

Conditions:
Pitt-Hopkins-like syndrome 2 (PTHSL2). Identifiers: Orphanet 221150, Orphanet 600663, MedGen C3280479, MONDO:0013690, OMIM 614325.
Inborn genetic diseases. Identifiers: MedGen C0950123, MeSH D030342.

Allele frequency attached by ClinVar (database versions not stated): gnomAD exomes 0.00009; 1000 Genomes Project 30x 0.00016; ExAC 0.00018; 1000 Genomes Project 0.00020; gnomAD 0.00024 and 0.00026; TOPMed 0.00028; ESP Exome Variant Server 0.00058.
gnomAD v4.1: 73 of 1,592,454 alleles (0.0046%); highest among the groups gnomAD compares: African/African-American, 0.082%; no homozygotes.

Submissions (4):

Labcorp Genetics (formerly Invitae), Labcorp
Classification: Likely benign for Pitt-Hopkins-like syndrome 2. Last evaluated: 2025-12-01. Review status: criteria provided, single submitter. Criteria: Invitae Variant Classification Sherloc (09022015). Collection method: clinical testing. Allele origin: germline.

CeGaT Center for Human Genetics Tuebingen
Classification: Likely benign. Last evaluated: 2022-05-01. Review status: criteria provided, single submitter. Criteria: CeGaT Center For Human Genetics Tuebingen Variant Classification Criteria Version 2. Collection method: clinical testing. Allele origin: germline. Affected: yes. Observed: 1 variant allele.
Comment: NRXN1: BP4, BP7

GeneDx
Classification: Likely benign. Last evaluated: 2019-10-24. Review status: criteria provided, single submitter. Criteria: GeneDx Variant Classification Process June 2021. Collection method: clinical testing. Allele origin: germline. Affected: yes.

Ambry Genetics
Classification: Likely benign for Inborn genetic diseases. Last evaluated: 2017-06-28. Review status: criteria provided, single submitter. Criteria: Ambry Variant Classification Scheme 2023. Collection method: clinical testing. Allele origin: germline.